The following is an entry in ClinVar:

NM_001267550.2(TTN):c.34565A>G (p.Glu11522Gly)

Gene: TTN (titin; minus strand). Cytogenetic location: 2q31.2.
Variant type: single nucleotide variant.
Coding change: c.34565A>G on transcript NM_001267550.2 (MANE Select); coding-DNA position 34565, A replaced by G.
Protein change: p.Glu11522Gly; replaces glutamic acid 11522 with glycine.
Molecular consequence: missense variant. On other transcripts: intron variant (3).
Genome position (GRCh38, 1-based): chr2:178,675,086, T>C on the plus strand (A>G on the coding strand, the complement: TTN is on the minus strand). VCF-style: chr2-178675086-T-C. GRCh37 (hg19) VCF-style: chr2-179539813-T-C.
Other names: c.13283-32769A>G (NM_003319.4); c.13859-32769A>G (NM_133437.4); c.13658-32769A>G (NM_133432.3); c.33443A>G, p.Glu11148Gly (NM_001256850.1); c.30662A>G, p.Glu10221Gly (NM_133378.4); short protein forms E10221G, E11148G, E11522G.
Identifiers: ClinVar variation 2651665 (VCV002651665.24), dbSNP rs1405855269, ClinGen allele CA349524456.
Genomic context (GRCh38, chr2:178,675,086, plus strand): 5'-GAAAGTTATCTACCTTCAACTGGTAGAACTTCCTCTTCTTTAGGGAGAATGATTCGTTTT[T>C]CTTCCACCTTCTTAGGCACCTCAGGAACTTGAGAGACATTGATTATTTTAGACACTTAAA-3'
Protein context (NP_001254479.2, residues 11512-11532): KVPEVPKKVE[Glu11522Gly]KRIILPKEEE

ClinVar aggregate classification (germline): Uncertain significance (1 of 4 stars; one submission).

Submission:

CeGaT Center for Human Genetics Tuebingen
Classification: Uncertain significance. Last evaluated: 2023-03-01. Review status: criteria provided, single submitter. Criteria: CeGaT Center For Human Genetics Tuebingen Variant Classification Criteria Version 2. Collection method: clinical testing. Allele origin: germline. Affected: yes. Observed: 1 variant allele.
Comment: TTN: PM2, BP4